The following is an entry in ClinVar:

ClinVar aggregate classification (germline): Uncertain significance. Review status: criteria provided, multiple submitters, no conflicts (2 of 4 stars). 5 submissions from 5 submitters: Uncertain significance (5). Last evaluated 2025-12-17.

Conditions:
Progressive sclerosing poliodystrophy (MTDPS4A). Also called: ALPERS PROGRESSIVE INFANTILE POLIODYSTROPHY; NEURONAL DEGENERATION OF CHILDHOOD WITH LIVER DISEASE, PROGRESSIVE; Mitochondrial DNA Depletion Syndrome 4A; ALPERS DIFFUSE DEGENERATION OF CEREBRAL GRAY MATTER WITH HEPATIC CIRRHOSIS; Alpers-Huttenlocher Syndrome; Alpers-Huttenlocher Syndrome (AHS). Identifiers: Orphanet 726, MedGen C0205710, MONDO:0008758, OMIM 203700.

Allele frequency attached by ClinVar (database versions not stated): gnomAD 0.00001; gnomAD exomes 0.00001 and 0.00002; TOPMed 0.00002.
gnomAD v4.1: 34 of 1,573,502 alleles (0.0022%); highest among the groups gnomAD compares: Non-Finnish European, 0.0026%; no homozygotes.

Submissions (5):

Labcorp Genetics (formerly Invitae), Labcorp
Classification: Uncertain significance for Progressive sclerosing poliodystrophy. Last evaluated: 2025-12-17. Review status: criteria provided, single submitter. Criteria: Invitae Variant Classification Sherloc (09022015). Collection method: clinical testing. Allele origin: germline.
Comment: This sequence change replaces glycine, which is neutral and non-polar, with glutamic acid, which is acidic and polar, at codon 132 of the POLG protein (p.Gly132Glu). The frequency data for this variant in the population databases is considered unreliable, as metrics indicate poor data quality at this position in the gnomAD database. This variant has not been reported in the literature in individuals affected with POLG-related conditions. ClinVar contains an entry for this variant (Variation ID: 405573). Invitae Evidence Modeling of protein sequence and biophysical properties (such as structural, functional, and spatial information, amino acid conservation, physicochemical variation, residue mobility, and thermodynamic stability) indicates that this missense variant is expected to disrupt POLG protein function with a positive predictive value of 95%. In summary, the available evidence is currently insufficient to determine the role of this variant in disease. Therefore, it has been classified as a Variant of Uncertain Significance.

Mayo Clinic Laboratories, Mayo Clinic
Classification: Uncertain significance. Last evaluated: 2025-09-23. Review status: criteria provided, single submitter. Criteria: ACMG Guidelines, 2015. Collection method: clinical testing. Allele origin: germline. Observed: 1 variant allele.
Comment: PP3_moderate

Blueprint Genetics
Classification: Uncertain significance. Last evaluated: 2024-11-18. Review status: criteria provided, single submitter. Criteria: ACMG Guidelines, 2015. Collection method: clinical testing. Allele origin: germline.

3billion
Classification: Uncertain significance for Progressive sclerosing poliodystrophy. Last evaluated: 2023-10-17. Review status: criteria provided, single submitter. Criteria: ACMG Guidelines, 2015. Collection method: clinical testing. Allele origin: germline. Affected: yes.
Comment: The variant is observed at an extremely low frequency in the gnomAD v2.1.1 dataset (total allele frequency: 0.001%). Predicted Consequence/Location: Missense variant In silico tool predictions suggest damaging effect of the variant on gene or gene product [REVEL: 0.92 (>=0.6, sensitivity 0.68 and specificity 0.92); 3Cnet: 0.90 (>=0.6, sensitivity 0.72 and precision 0.9)]. A different missense change at the same codon (p.Gly132Arg) has been reported to be associated with POLG related disorder (PMID: 33469851). However the evidence of pathogenicity is insufficient at this time. Therefore, this variant is classified as VUS according to the recommendation of ACMG/AMP guideline.

GeneDx
Classification: Uncertain significance. Last evaluated: 2019-09-12. Review status: criteria provided, single submitter. Criteria: GeneDx Variant Classification Process June 2021. Collection method: clinical testing. Allele origin: germline. Affected: yes.
Comment: Has not been previously published as pathogenic or benign to our knowledge; Not observed at a significant frequency in large population cohorts (Lek et al., 2016); In silico analysis, which includes protein predictors and evolutionary conservation, supports a deleterious effect

Literature cited by the submitters: PubMed 33469851 (cited by 3billion).

NM_002693.3(POLG):c.395G>A (p.Gly132Glu)

Genes: POLG (DNA polymerase gamma, catalytic subunit; minus strand), POLGARF (POLG alternative reading frame; minus strand). Cytogenetic location: 15q26.1.
Variant type: single nucleotide variant.
Coding change: c.395G>A on transcript NM_002693.3 (MANE Select); coding-DNA position 395, G replaced by A.
Protein change: p.Gly132Glu; replaces glycine 132 with glutamic acid.
Molecular consequence: missense variant.
Genome position (GRCh38, 1-based): chr15:89,333,360, C>T on the plus strand (G>A on the coding strand, the complement: POLG is on the minus strand). VCF-style: chr15-89333360-C-T. GRCh37 (hg19) VCF-style: chr15-89876591-C-T.
Other names: p.Gly132Glu; c.395G>A, p.Gly132Glu (NM_001126131.2); short protein forms G132E.
Identifiers: ClinVar variation 405573 (VCV000405573.15), dbSNP rs1060500774, ClinGen allele CA16614589.